The following is an entry in ClinVar:

ClinVar aggregate classification (germline): Uncertain significance. Review status: criteria provided, multiple submitters, no conflicts (2 of 4 stars). 3 submissions from 3 submitters: Uncertain significance (2). 1 of the submissions does not count toward it. Last evaluated 2026-06-16.

Conditions:
VPS13B-related disorder. Also called: VPS13B-related condition.
Cohen syndrome (COH1). Also called: Cutis verticis gyrata, retinitis pigmentosa, and sensorineural deafness; PEPPER SYNDROME. Identifiers: Orphanet 193, MedGen C0265223, MONDO:0008999, OMIM 216550.

Allele frequency attached by ClinVar (database versions not stated): gnomAD exomes below 0.00001 and 0.00001; ExAC 0.00001; gnomAD 0.00001; TOPMed 0.00001.
gnomAD v4.1: 12 of 1,613,876 alleles (0.00074%); highest among the groups gnomAD compares: East Asian, 0.0045%; no homozygotes.

Submissions (3):

PreventionGenetics, part of Exact Sciences
Classification: Uncertain significance for VPS13B-related condition. Last evaluated: 2026-06-16. Review status: criteria provided, single submitter. Criteria: ACMG Guidelines, 2015. Collection method: clinical testing. Allele origin: germline.
Comment: The VPS13B c.7165G>A variant is predicted to result in the amino acid substitution p.Val2389Met. To our knowledge, this variant has not been reported in the literature. This variant is reported in 0.00088% of alleles in individuals of European (Non-Finnish) descent in gnomAD. At this time, the clinical significance of this variant is uncertain due to the absence of conclusive functional and genetic evidence.

Labcorp Genetics (formerly Invitae), Labcorp
Classification: Uncertain significance for Cohen syndrome. Last evaluated: 2022-06-10. Review status: criteria provided, single submitter. Criteria: Invitae Variant Classification Sherloc (09022015). Collection method: clinical testing. Allele origin: germline.
Comment: This sequence change replaces valine, which is neutral and non-polar, with methionine, which is neutral and non-polar, at codon 2414 of the VPS13B protein (p.Val2414Met). This variant is not present in population databases (gnomAD no frequency). This variant has not been reported in the literature in individuals affected with VPS13B-related conditions. ClinVar contains an entry for this variant (Variation ID: 945434). Algorithms developed to predict the effect of missense changes on protein structure and function output the following: SIFT: "Not Available"; PolyPhen-2: "Possibly Damaging"; Align-GVGD: "Not Available". The methionine amino acid residue is found in multiple mammalian species, which suggests that this missense change does not adversely affect protein function. In summary, the available evidence is currently insufficient to determine the role of this variant in disease. Therefore, it has been classified as a Variant of Uncertain Significance.

Natera, Inc.
Classification: Uncertain significance for Cohen syndrome. Last evaluated: 2020-04-10. Review status: no assertion criteria provided. Collection method: clinical testing. Allele origin: germline. Not counted in ClinVar's aggregate classification.

NM_152564.5(VPS13B):c.7165G>A (p.Val2389Met)

Gene: VPS13B (vacuolar protein sorting 13 homolog B; plus strand). Cytogenetic location: 8q22.2.
Variant type: single nucleotide variant.
Coding change: c.7165G>A on transcript NM_152564.5 (MANE Select); coding-DNA position 7165, G replaced by A.
Protein change: p.Val2389Met; replaces valine 2389 with methionine.
Molecular consequence: missense variant.
Genome position (GRCh38, 1-based): chr8:99,766,888, G>A. VCF-style: chr8-99766888-G-A. GRCh37 (hg19) VCF-style: chr8-100779116-G-A.
Other names: c.7165G>A (NM_152564.4); c.7240G>A, p.Val2414Met (NM_017890.5); short protein forms V2389M, V2414M.
Identifiers: ClinVar variation 945434 (VCV000945434.7), dbSNP rs764630440, ClinGen allele CA4824162.
Genomic context (GRCh38, chr8:99,766,888, plus strand): 5'-AGAGAATTTAATCTGTCTGAAAGCAAAGTTTGTGAACTGCAGTTGCCGGATATCAATCTC[G>A]TGAATGACCAGAAGAAATTAGTATCTTCAGATCTTTGGAGAATTGTCTTGAACAGCAGTC-3'
Protein context (NP_689777.3, residues 2379-2399): CELQLPDINL[Val2389Met]NDQKKLVSSD